The following is an entry in ClinVar:

NM_033026.6(PCLO):c.3683G>A (p.Arg1228His)

Gene: PCLO (piccolo presynaptic cytomatrix protein; minus strand). Cytogenetic location: 7q21.11.
Variant type: single nucleotide variant.
Coding change: c.3683G>A on transcript NM_033026.6 (MANE Select); coding-DNA position 3683, G replaced by A.
Protein change: p.Arg1228His; replaces arginine 1228 with histidine.
Molecular consequence: missense variant.
Genome position (GRCh38, 1-based): chr7:82,966,105, C>T on the plus strand (G>A on the coding strand, the complement: PCLO is on the minus strand). VCF-style: chr7-82966105-C-T. GRCh37 (hg19) VCF-style: chr7-82595421-C-T.
Other names: c.3683G>A, p.Arg1228His (NM_014510.3); short protein forms R1228H.
Identifiers: ClinVar variation 1982355 (VCV001982355.3), dbSNP rs765796028, ClinGen allele CA4320984.

ClinVar aggregate classification (germline): Uncertain significance (1 of 4 stars; one submission).

Allele frequency attached by ClinVar (database versions not stated): ExAC 0.00001; gnomAD 0.00001.

Submission:

Labcorp Genetics (formerly Invitae), Labcorp
Classification: Uncertain significance. Last evaluated: 2022-08-27. Review status: criteria provided, single submitter. Criteria: Invitae Variant Classification Sherloc (09022015). Collection method: clinical testing. Allele origin: germline.
Comment: In summary, the available evidence is currently insufficient to determine the role of this variant in disease. Therefore, it has been classified as a Variant of Uncertain Significance. Algorithms developed to predict the effect of missense changes on protein structure and function are either unavailable or do not agree on the potential impact of this missense change (SIFT: "Tolerated"; PolyPhen-2: "Not Available"; Align-GVGD: "Class C0"). This variant has not been reported in the literature in individuals affected with PCLO-related conditions. This variant is present in population databases (rs765796028, gnomAD 0.006%). This sequence change replaces arginine, which is basic and polar, with histidine, which is basic and polar, at codon 1228 of the PCLO protein (p.Arg1228His).